The following is an entry in ClinVar:

NM_000057.4(BLM):c.1076_1077del (p.Thr359fs)

Gene: BLM (BLM RecQ like helicase; plus strand). Cytogenetic location: 15q26.1.
Variant type: Microsatellite.
Coding change: c.1076_1077del on transcript NM_000057.4 (MANE Select); coding-DNA positions 1076 to 1077, 2 bases deleted (CA; older notation c.1076_1077delCA).
Protein change: p.Thr359fs; shifts the reading frame from threonine 359.
Molecular consequence: frameshift variant. On other transcripts: 5 prime UTR variant (1).
Genome position (GRCh38, 1-based): chr15:90,754,927-90,754,928, CA deleted; deleting any 2 consecutive bases within chr15:90,754,925-90,754,928 gives the same sequence; the c. name uses the placement nearest the transcript's 3' end. VCF-style (leftmost placement, unchanged base first): chr15-90754924-GCA-G. GRCh37 (hg19) VCF-style: chr15-91298154-GCA-G.
Other names: c.1076_1077del, p.Thr359fs (NM_001287246.2, NM_001287247.2); c.-218CA[1] (NM_001287248.2); short protein forms T359fs.
Identifiers: ClinVar variation 4811517 (VCV004811517.1).
Genomic context (GRCh38, chr15:90,754,924, plus strand): 5'-CAAAAGATCTTTTGTCAAAACCTGAGAAAATGAGTATGCAGGAGCTGAATCCAGAAACCA[GCA>G]CAGACTGTGACGGTACAAGCAATATTTTAGACATACCATGTATTTCAACTACTTACTTTT-3'

ClinVar aggregate classification (germline): Pathogenic (1 of 4 stars; one submission).

Conditions:
Bloom syndrome (BLM). Also called: Bloom-Torre-Machacek syndrome. Identifiers: Orphanet 125, MedGen C0005859, MONDO:0008876, OMIM 210900.

Submission:

Labcorp Genetics (formerly Invitae), Labcorp
Classification: Pathogenic for Bloom syndrome. Last evaluated: 2025-10-12. Review status: criteria provided, single submitter. Criteria: Invitae Variant Classification Sherloc (09022015). Collection method: clinical testing. Allele origin: germline.
Comment: This sequence change creates a premature translational stop signal (p.Thr359Argfs*3) in the BLM gene. It is expected to result in an absent or disrupted protein product. Loss-of-function variants in BLM are known to be pathogenic (PMID: 17407155). This variant is not present in population databases (gnomAD no frequency). This variant has not been reported in the literature in individuals affected with BLM-related conditions. For these reasons, this variant has been classified as Pathogenic.

Literature cited by the submitters: PubMed 17407155.